The following is an entry in ClinVar:

NM_005862.3(STAG1):c.71G>A (p.Ser24Asn)

Gene: STAG1 (STAG1 cohesin complex component; minus strand). Cytogenetic location: 3q22.3.
Variant type: single nucleotide variant.
Coding change: c.71G>A on transcript NM_005862.3 (MANE Select); coding-DNA position 71, G replaced by A.
Protein change: p.Ser24Asn; replaces serine 24 with asparagine.
Molecular consequence: missense variant.
Genome position (GRCh38, 1-based): chr3:136,623,207, C>T on the plus strand (G>A on the coding strand, the complement: STAG1 is on the minus strand). VCF-style: chr3-136623207-C-T. GRCh37 (hg19) VCF-style: chr3-136342049-C-T.
Other names: c.71G>A (NM_005862.2); short protein forms S24N.
Identifiers: ClinVar variation 2064148 (VCV002064148.19), dbSNP rs368868260, ClinGen allele CA2633301.

ClinVar aggregate classification (germline): Benign/Likely benign. Review status: criteria provided, multiple submitters, no conflicts (2 of 4 stars). 3 submissions from 3 submitters: Benign (1); Likely benign (2). Last evaluated 2026-01-05.

Conditions:
Inborn genetic diseases. Identifiers: MedGen C0950123, MeSH D030342.

Allele frequency attached by ClinVar (database versions not stated): ExAC 0.00002; TOPMed 0.00005; gnomAD 0.00006; ESP Exome Variant Server 0.00008; gnomAD exomes 0.00010.
gnomAD v4.1: 151 of 1,613,658 alleles (0.0094%); highest among the groups gnomAD compares: Non-Finnish European, 0.012%; no homozygotes.

Submissions (3):

Labcorp Genetics (formerly Invitae), Labcorp
Classification: Benign. Last evaluated: 2026-01-05. Review status: criteria provided, single submitter. Criteria: Invitae Variant Classification Sherloc (09022015). Collection method: clinical testing. Allele origin: germline.

CeGaT Center for Human Genetics Tuebingen
Classification: Likely benign. Last evaluated: 2025-01-01. Review status: criteria provided, single submitter. Criteria: CeGaT Center For Human Genetics Tuebingen Variant Classification Criteria Version 2. Collection method: clinical testing. Allele origin: germline. Affected: yes. Observed: 1 variant allele.
Comment: STAG1: BS1

Ambry Genetics
Classification: Likely benign for Inborn genetic diseases. Last evaluated: 2023-08-20. Review status: criteria provided, single submitter. Criteria: Ambry Variant Classification Scheme 2023. Collection method: clinical testing. Allele origin: germline.